The following is an entry in ClinVar:

NM_006531.5(IFT88):c.2390A>G (p.Glu797Gly)

Gene: IFT88 (intraflagellar transport 88; plus strand). Cytogenetic location: 13q12.11.
Variant type: single nucleotide variant.
Coding change: c.2390A>G on transcript NM_006531.5 (MANE Select); coding-DNA position 2390, A replaced by G.
Protein change: p.Glu797Gly; replaces glutamic acid 797 with glycine.
Molecular consequence: missense variant. On other transcripts: 3 prime UTR variant (1), non-coding transcript variant (5).
Genome position (GRCh38, 1-based): chr13:20,691,090, A>G. VCF-style: chr13-20691090-A-G. GRCh37 (hg19) VCF-style: chr13-21265229-A-G.
Other names: c.2333A>G, p.Glu778Gly (NM_001318491.2); c.2417A>G, p.Glu806Gly (NM_001318493.2, NM_001353565.2, NM_001353566.2 and 2 more transcripts); c.2390A>G, p.Glu797Gly (NM_001353568.2); c.2315A>G, p.Glu772Gly (NM_001353569.2, NM_001353570.2); c.2288A>G, p.Glu763Gly (NM_001353571.2); c.2279A>G, p.Glu760Gly (NM_001353572.2); c.2246A>G, p.Glu749Gly (NM_001353573.2); c.2231A>G, p.Glu744Gly (NM_001353574.2); and 4 more; short protein forms E586G, E726G, E735G, E760G, E772G, E778G, E806G, E744G.
Identifiers: ClinVar variation 3683243 (VCV003683243.2).

ClinVar aggregate classification (germline): Uncertain significance (1 of 4 stars; one submission).

gnomAD v4.1: 7 of 1,613,962 alleles (0.00043%); highest among the groups gnomAD compares: Admixed American, 0.012%; no homozygotes.

Submission:

Labcorp Genetics (formerly Invitae), Labcorp
Classification: Uncertain significance. Last evaluated: 2024-09-15. Review status: criteria provided, single submitter. Criteria: Invitae Variant Classification Sherloc (09022015). Collection method: clinical testing. Allele origin: germline.
Comment: This sequence change replaces glutamic acid, which is acidic and polar, with glycine, which is neutral and non-polar, at codon 806 of the IFT88 protein (p.Glu806Gly). This variant is present in population databases (no rsID available, gnomAD 0.009%). This variant has not been reported in the literature in individuals affected with IFT88-related conditions. An algorithm developed to predict the effect of missense changes on protein structure and function (PolyPhen-2) suggests that this variant is likely to be tolerated. In summary, the available evidence is currently insufficient to determine the role of this variant in disease. Therefore, it has been classified as a Variant of Uncertain Significance.